The following is an entry in ClinVar:

ClinVar aggregate classification (germline): Likely pathogenic (1 of 4 stars; one submission).

Conditions:
Bardet-Biedl syndrome 4 (BBS4). Identifiers: Orphanet 110, MedGen C2936864, MONDO:0014433, OMIM 615982.

Submission:

Juno Genomics, Hangzhou Juno Genomics, Inc
Classification: Likely pathogenic for Bardet-Biedl syndrome 4. Review status: criteria provided, single submitter. Criteria: ACMG Guidelines, 2015. Collection method: clinical testing. Allele origin: germline.
Comment: Null variant in a gene where loss of function (LOF) is a known mechanism of disease.;Absent from controls (or at extremely low frequency if recessive) in Genome Aggregation Database.

NM_033028.5(BBS4):c.1342C>T (p.Gln448Ter)

Gene: BBS4 (Bardet-Biedl syndrome 4; plus strand). Cytogenetic location: 15q24.1.
Variant type: single nucleotide variant.
Coding change: c.1342C>T on transcript NM_033028.5 (MANE Select); coding-DNA position 1342, C replaced by T.
Protein change: p.Gln448Ter; replaces glutamine 448 with a stop codon.
Molecular consequence: nonsense. On other transcripts: non-coding transcript variant (2).
Genome position (GRCh38, 1-based): chr15:72,736,855, C>T. VCF-style: chr15-72736855-C-T. GRCh37 (hg19) VCF-style: chr15-73029196-C-T.
Other names: c.826C>T, p.Gln276Ter (NM_001252678.2); c.1273C>T, p.Gln425Ter (NM_001320665.2); short protein forms Q276*, Q425*, Q448*.
Identifiers: ClinVar variation 5005457 (VCV005005457.2).
Genomic context (GRCh38, chr15:72,736,855, plus strand): 5'-CTCCAGGTTGGGGAGGCACTGGTCTGGACCAAACCAGTTAAAGATCCCAAATCAAAGCAC[C>T]AGACCACTTCAACCAGCAAACCTGCCAGTTTCCAGCAGCCTCTGGGCTCTAATCAAGCTC-3'